The following is an entry in ClinVar:

ClinVar aggregate classification (germline): Uncertain significance (1 of 4 stars; one submission).

Conditions:
Hereditary cancer-predisposing syndrome. Also called: Hereditary Cancer Syndrome; Hereditary neoplastic syndrome; Neoplastic Syndromes, Hereditary; Tumor predisposition. Identifiers: Orphanet 140162, MedGen C0027672, MeSH D009386, MONDO:0015356.

Submission:

Ambry Genetics
Classification: Uncertain significance for Hereditary cancer-predisposing syndrome. Last evaluated: 2022-04-28. Review status: criteria provided, single submitter. Criteria: Ambry Variant Classification Scheme 2023. Collection method: clinical testing. Allele origin: germline.
Comment: The p.C20G variant (also known as c.58T>G), located in coding exon 1 of the PTCH1 gene, results from a T to G substitution at nucleotide position 58. The cysteine at codon 20 is replaced by glycine, an amino acid with highly dissimilar properties. This amino acid position is conserved. In addition, this alteration is predicted to be tolerated by in silico analysis. Since supporting evidence is limited at this time, the clinical significance of this alteration remains unclear.

NM_000264.5(PTCH1):c.58T>G (p.Cys20Gly)

Genes: PTCH1 (patched 1; minus strand), LOC130002133 (ATAC-STARR-seq lymphoblastoid silent region 20071; plus strand). Cytogenetic location: 9q22.32.
Variant type: single nucleotide variant.
Coding change: c.58T>G on transcript NM_000264.5 (MANE Select); coding-DNA position 58, T replaced by G.
Protein change: p.Cys20Gly; replaces cysteine 20 with glycine.
Molecular consequence: missense variant. On other transcripts: non-coding transcript variant (1), intron variant (3).
Genome position (GRCh38, 1-based): chr9:95,508,304, A>C on the plus strand (T>G on the coding strand, the complement: PTCH1 is on the minus strand). VCF-style: chr9-95508304-A-C. GRCh37 (hg19) VCF-style: chr9-98270586-A-C.
Other names: c.58T>G, p.Cys20Gly (NM_001354918.2); c.199-1705T>G (NM_001083603.3); c.4-1705T>G (NM_001083602.3, NM_001354919.2); short protein forms C20G.
Identifiers: ClinVar variation 1750403 (VCV001750403.2), dbSNP rs1843905982, ClinGen allele CA374121500.